The following is an entry in ClinVar:

NM_020631.6(PLEKHG5):c.517C>G (p.Arg173Gly)

Gene: PLEKHG5 (pleckstrin homology and RhoGEF domain containing G5; minus strand). Cytogenetic location: 1p36.31.
Variant type: single nucleotide variant.
Coding change: c.517C>G on transcript NM_020631.6 (MANE Select); coding-DNA position 517, C replaced by G.
Protein change: p.Arg173Gly; replaces arginine 173 with glycine.
Molecular consequence: missense variant.
Genome position (GRCh38, 1-based): chr1:6,474,087, G>C on the plus strand (C>G on the coding strand, the complement: PLEKHG5 is on the minus strand). VCF-style: chr1-6474087-G-C. GRCh37 (hg19) VCF-style: chr1-6534147-G-C.
Other names: c.628C>G, p.Arg210Gly (NM_001042663.3, NM_001265592.2); c.517C>G, p.Arg173Gly (NM_001042664.2, NM_001042665.2, NM_001265594.3 and 1 more transcripts); c.724C>G, p.Arg242Gly (NM_001265593.2); short protein forms R242G, R173G, R210G.
Identifiers: ClinVar variation 960211 (VCV000960211.8), dbSNP rs372602993, ClinGen allele CA338138660.

ClinVar aggregate classification (germline): Uncertain significance. Review status: criteria provided, multiple submitters, no conflicts (2 of 4 stars). 2 submissions from 2 submitters: Uncertain significance (2). Last evaluated 2025-05-05.

Conditions:
Inborn genetic diseases. Identifiers: MedGen C0950123, MeSH D030342.
Charcot-Marie-Tooth disease recessive intermediate C. Also called: CHARCOT-MARIE-TOOTH NEUROPATHY, RECESSIVE INTERMEDIATE C. Identifiers: Orphanet 369867, MedGen C3809309, MONDO:0014154, OMIM 615376.
Neuronopathy, distal hereditary motor, autosomal recessive 4. Also called: Autosomal recessive lower motor neuron disease with childhood onset; NEUROPATHY, DISTAL HEREDITARY MOTOR, AUTOSOMAL RECESSIVE 4. Identifiers: Orphanet 206580, MedGen C1970211, MONDO:0012608, OMIM 611067.

gnomAD v4.1: 23 of 1,612,410 alleles (0.0014%); highest among the groups gnomAD compares: Non-Finnish European, 0.0019%; no homozygotes.

Submissions (2):

Ambry Genetics
Classification: Uncertain significance for Inborn genetic diseases. Last evaluated: 2025-05-05. Review status: criteria provided, single submitter. Criteria: Ambry Variant Classification Scheme 2023. Collection method: clinical testing. Allele origin: germline.

Labcorp Genetics (formerly Invitae), Labcorp
Classification: Uncertain significance for Neuronopathy, distal hereditary motor, autosomal recessive 4; Charcot-Marie-Tooth disease recessive intermediate C. Last evaluated: 2021-08-28. Review status: criteria provided, single submitter. Criteria: Invitae Variant Classification Sherloc (09022015). Collection method: clinical testing. Allele origin: germline.
Comment: This sequence change replaces arginine with glycine at codon 173 of the PLEKHG5 protein (p.Arg173Gly). The arginine residue is moderately conserved and there is a moderate physicochemical difference between arginine and glycine. This variant is not present in population databases (ExAC no frequency). This variant has not been reported in the literature in individuals affected with PLEKHG5-related conditions. Algorithms developed to predict the effect of missense changes on protein structure and function (SIFT, PolyPhen-2, Align-GVGD) all suggest that this variant is likely to be tolerated. In summary, the available evidence is currently insufficient to determine the role of this variant in disease. Therefore, it has been classified as a Variant of Uncertain Significance.